The following is an entry in ClinVar:

ClinVar aggregate classification (germline): Uncertain significance (1 of 4 stars; one submission).

Conditions:
Inborn genetic diseases. Identifiers: MedGen C0950123, MeSH D030342.

Submission:

Ambry Genetics
Classification: Uncertain significance for Inborn genetic diseases. Last evaluated: 2020-08-03. Review status: criteria provided, single submitter. Criteria: Ambry Variant Classification Scheme 2023. Collection method: clinical testing. Allele origin: germline.
Comment: The p.V1140I variant (also known as c.3418G>A), located in coding exon 26 of the DST gene, results from a G to A substitution at nucleotide position 3418. The valine at codon 1140 is replaced by isoleucine, an amino acid with highly similar properties. This amino acid position is highly conserved in available vertebrate species. In addition, this alteration is predicted to be tolerated by in silico analysis. Since supporting evidence is limited at this time, the clinical significance of this alteration remains unclear.

NM_001374736.1(DST):c.3517G>A (p.Val1173Ile)

Gene: DST (dystonin; minus strand). Cytogenetic location: 6p12.1.
Variant type: single nucleotide variant.
Coding change: c.3517G>A on transcript NM_001374736.1 (MANE Select); coding-DNA position 3517, G replaced by A.
Protein change: p.Val1173Ile; replaces valine 1173 with isoleucine.
Molecular consequence: missense variant.
Genome position (GRCh38, 1-based): chr6:56,634,236, C>T on the plus strand (G>A on the coding strand, the complement: DST is on the minus strand). VCF-style: chr6-56634236-C-T. GRCh37 (hg19) VCF-style: chr6-56499034-C-T.
Other names: c.3418G>A, p.Val1140Ile (NM_001144769.5); c.3004G>A, p.Val1002Ile (NM_001144770.2); c.3517G>A, p.Val1173Ile (NM_001374722.1); c.2884G>A, p.Val962Ile (NM_001374729.1, NM_001374730.1, NM_001386100.1 and 1 more transcripts); c.3544G>A, p.Val1182Ile (NM_001374734.1); c.1906G>A, p.Val636Ile (NM_001723.7, NM_015548.5); short protein forms V1002I, V1140I, V1173I, V1182I, V636I, V962I.
Identifiers: ClinVar variation 1731231 (VCV001731231.2), dbSNP rs2537038757, ClinGen allele CA364575755.